The following is an entry in ClinVar:

NM_194248.3(OTOF):c.327+3G>C

Gene: OTOF (otoferlin; minus strand). Cytogenetic location: 2p23.3.
Variant type: single nucleotide variant.
Coding change: c.327+3G>C on transcript NM_194248.3 (MANE Select); 3 bases into the intron after coding-DNA position 327, G replaced by C.
Molecular consequence: intron variant.
Genome position (GRCh38, 1-based): chr2:26,519,007, C>G on the plus strand (G>C on the coding strand, the complement: OTOF is on the minus strand). VCF-style: chr2-26519007-C-G. GRCh37 (hg19) VCF-style: chr2-26741875-C-G.
Other names: c.327+3G>C (NM_001287489.2).
Identifiers: ClinVar variation 229073 (VCV000229073.5), dbSNP rs876657935, ClinGen allele CA10576594.

ClinVar aggregate classification (germline): Uncertain significance (1 of 4 stars; one submission).

Submission:

Laboratory for Molecular Medicine, Mass General Brigham Personalized Medicine
Classification: Uncertain significance. Last evaluated: 2015-08-04. Review status: criteria provided, single submitter. Criteria: LMM Criteria. Collection method: clinical testing. Allele origin: germline. Observed: 1 variant allele.
Comment: The c.327+3G>C variant in OTOF has not been previously reported in individuals w ith hearing loss and was absent from large population studies. This variant is l ocated in the 5' splice region. Computational tools do not suggest an impact to splicing; however, this information is not predictive enough to rule out pathoge nicity. In summary, the clinical significance of the c.327+3G>C variant is uncer tain.